The following is an entry in ClinVar:

ClinVar aggregate classification (germline): Uncertain significance (1 of 4 stars; one submission).

Allele frequency attached by ClinVar (database versions not stated): gnomAD exomes below 0.00001.
gnomAD v4.1: 3 of 1,612,386 alleles (0.00019%); highest among the groups gnomAD compares: Non-Finnish European, 0.00017%; no homozygotes.

Submission:

GeneDx
Classification: Uncertain significance. Last evaluated: 2023-05-02. Review status: criteria provided, single submitter. Criteria: GeneDx Variant Classification Process June 2021. Collection method: clinical testing. Allele origin: germline. Affected: yes.
Comment: Not observed at significant frequency in large population cohorts (gnomAD); In silico analysis supports that this missense variant has a deleterious effect on protein structure/function; Has not been previously published as pathogenic or benign to our knowledge

NM_001148.6(ANK2):c.10688A>G (p.Gln3563Arg)

Gene: ANK2 (ankyrin 2; plus strand). Cytogenetic location: 4q26.
Variant type: single nucleotide variant.
Coding change: c.10688A>G on transcript NM_001148.6 (MANE Select); coding-DNA position 10688, A replaced by G.
Protein change: p.Gln3563Arg; replaces glutamine 3563 with arginine.
Molecular consequence: missense variant.
Genome position (GRCh38, 1-based): chr4:113,360,829, A>G. VCF-style: chr4-113360829-A-G. GRCh37 (hg19) VCF-style: chr4-114281985-A-G.
Other names: c.4406A>G, p.Gln1469Arg (NM_001127493.3); c.4445A>G, p.Gln1482Arg (NM_001354225.2); c.4334A>G, p.Gln1445Arg (NM_001354228.2, NM_001354258.2); c.4412A>G, p.Gln1471Arg (NM_001354230.2); c.4475A>G, p.Gln1492Arg (NM_001354231.2, NM_001354242.2); c.4469A>G, p.Gln1490Arg (NM_001354232.2); c.4430A>G, p.Gln1477Arg (NM_001354235.2, NM_001354246.2, NM_001354265.2); c.4331A>G, p.Gln1444Arg (NM_001354236.2); and 35 more; short protein forms Q1317R, Q1350R, Q1378R, Q1383R, Q1391R, Q1400R, Q1403R, Q1405R.
Identifiers: ClinVar variation 2663090 (VCV002663090.1), dbSNP rs1249035991, ClinGen allele CA357940993.